The following is an entry in ClinVar:

ClinVar aggregate classification (germline): Likely pathogenic. Review status: criteria provided, multiple submitters, no conflicts (2 of 4 stars). 2 submissions from 2 submitters: Likely pathogenic (2). Last evaluated 2026-09-02.

Conditions:
Dilated cardiomyopathy 1G (CMD1G). Identifiers: Orphanet 154, MedGen C1858763, MONDO:0011400, OMIM 604145.

Submissions (2):

MVZ Medizinische Genetik Mainz
Classification: Likely pathogenic for Dilated cardiomyopathy 1G. Last evaluated: 2026-09-02. Review status: criteria provided, single submitter. Criteria: UK Practice Guidelines For Variant Classification V4 01 2020. Collection method: clinical testing. Allele origin: germline. Inheritance: Autosomal dominant inheritance. Affected: yes. Observed: 1 variant allele.
Comment: ACMG Criteria: PVS1,PM2_SUP

KardioGenetik, Herz- und Diabeteszentrum NRW
Classification: Likely pathogenic for Dilated cardiomyopathy 1G. Last evaluated: 2025-07-01. Review status: criteria provided, single submitter. Criteria: ACMG Guidelines, 2015. Collection method: clinical testing. Allele origin: unknown. Affected: yes. Observed: 1 variant allele.
Comment: The TTN variant NM_001267550.2:c.63220del has not been reported in the scientific literature or databases. It is absent in the general population cohorts of the gnomAD database, with an allele frequency of zero (PM2_supporting). This TTN variant is located in the rigid A band of titin. The deletion of 1 nucleotide results in a frameshift that introduces a premature stop codon (PVS1). This results in haploinsufficiency, consistent with the pathomechanism documented by the Clinical Genome Resource (ClinGen) for truncating TTN variants associated with DCM. Based on the evidence outlined above, the variant was classified as likely pathogenic.

NM_001267550.2(TTN):c.63220del (p.Val21074fs)

Genes: TTN (titin; minus strand), TTN-AS1 (TTN antisense RNA 1; plus strand). Cytogenetic location: 2q31.2.
Variant type: Deletion.
Coding change: c.63220del on transcript NM_001267550.2 (MANE Select); coding-DNA position 63220, one base deleted (G; older notation c.63220delG).
Protein change: p.Val21074fs; shifts the reading frame from valine 21074.
Molecular consequence: frameshift variant.
Genome position (GRCh38, 1-based): chr2:178,588,187, C deleted on the plus strand (G on the coding strand, the reverse complement: TTN is on the minus strand); the first of 2 consecutive C bases (chr2:178,588,187-178,588,188); deleting either gives the same sequence. VCF-style (leftmost placement, unchanged base first): chr2-178588186-AC-A. GRCh37 (hg19) VCF-style: chr2-179452913-AC-A.
Other names: c.58297del, p.Val19433fs (NM_001256850.1); c.36025del, p.Val12009fs (NM_003319.4); c.55516del, p.Val18506fs (NM_133378.4); c.36400del, p.Val12134fs (NM_133432.3); c.36601del, p.Val12201fs (NM_133437.4); short protein forms V12009fs, V12134fs, V12201fs, V18506fs, V19433fs, V21074fs.
Identifiers: ClinVar variation 4086930 (VCV004086930.2).